The following is an entry in ClinVar:

ClinVar aggregate classification (germline): Conflicting classifications of pathogenicity. Review status: criteria provided, conflicting classifications (1 of 4 stars). 5 submissions from 5 submitters: Uncertain significance (4); Benign (1). Last evaluated 2026-04-20.

Conditions:
KCNE1-related disorder. Also called: KCNE1-related condition.
Cardiovascular phenotype. Identifiers: MedGen CN230736.
Long QT syndrome (LQTS). Identifiers: MedGen C0023976, MeSH D008133, MONDO:0002442. Disease mechanism: loss of function. Inheritance: Various modes of inheritance.

Allele frequency attached by ClinVar (database versions not stated): gnomAD exomes 0.00008 and 0.00009; ExAC 0.00004; gnomAD 0.00005 and 0.00006; TOPMed 0.00006.

Submissions (5):

PreventionGenetics, part of Exact Sciences
Classification: Uncertain significance for KCNE1-related condition. Last evaluated: 2026-04-20. Review status: criteria provided, single submitter. Criteria: ACMG Guidelines, 2015. Collection method: clinical testing. Allele origin: germline.
Comment: The KCNE1 c.-3delA variant is located in the 5' untranslated region. This variant was reported in an individual with sudden infant death syndrome (Liebrechts-Akkerman et al. 2020. PubMed ID: 32145446). This variant is reported in 0.025% of alleles in individuals of Latino descent in gnomAD. At this time, the clinical significance of this variant is uncertain due to the absence of conclusive functional and genetic evidence.

Labcorp Genetics (formerly Invitae), Labcorp
Classification: Uncertain significance for Long QT syndrome. Last evaluated: 2022-04-13. Review status: criteria provided, single submitter. Criteria: Invitae Variant Classification Sherloc (09022015). Collection method: clinical testing. Allele origin: germline.
Comment: This variant occurs in a non-coding region of the KCNE1 gene. It does not change the encoded amino acid sequence of the KCNE1 protein. This variant is present in population databases (rs397515878, gnomAD 0.03%). This variant has been observed in individual(s) with sudden infant death syndrome (SIDS) (PMID: 32145446). ClinVar contains an entry for this variant (Variation ID: 42494). Experimental studies and prediction algorithms are not available or were not evaluated, and the functional significance of this variant is currently unknown. In summary, the available evidence is currently insufficient to determine the role of this variant in disease. Therefore, it has been classified as a Variant of Uncertain Significance.

Ambry Genetics
Classification: Uncertain significance for Cardiovascular phenotype. Last evaluated: 2022-01-18. Review status: criteria provided, single submitter. Criteria: Ambry Variant Classification Scheme 2023. Collection method: clinical testing. Allele origin: germline.
Comment: The c.-3delA alteration is located in the 5' untranslated region (5'UTR) of the KCNE1 gene. This alteration consists of a deletion of 1 nucleotides upstream from the first translated codon. Based on insufficient or conflicting evidence, the clinical significance of this alteration remains unclear.

GeneDx
Classification: Benign. Last evaluated: 2016-11-15. Review status: criteria provided, single submitter. Criteria: GeneDx Variant Classification Process June 2021. Collection method: clinical testing. Allele origin: germline. Affected: yes.
Comment: This variant is associated with the following publications: (PMID: 32145446)

Laboratory for Molecular Medicine, Mass General Brigham Personalized Medicine
Classification: Uncertain significance. Last evaluated: 2014-12-19. Review status: criteria provided, single submitter. Criteria: LMM Criteria. Collection method: clinical testing. Allele origin: germline. Observed: 2 variant alleles.
Comment: This variant has been identified in 4/66638 of European chromosomes by the Exome Aggregation Consortium (ExAC). This variant is located in the 5' untranslated region within th e Kozak consensus sequence which is required for protein expression. However, ad ditional studies are needed to determine if this variant has an impact, if any, on the KCNE1 protein translation. In summary, the clinical significance of the c .-3delA variant is uncertain.

Literature cited by the submitters: PubMed 32145446 (cited by Labcorp Genetics (formerly Invitae), Labcorp).

NM_000219.6(KCNE1):c.-3del

Gene: KCNE1 (potassium voltage-gated channel subfamily E regulatory subunit 1; minus strand). Cytogenetic location: 21q22.12.
Variant type: Deletion.
Coding change: c.-3del on transcript NM_000219.6 (MANE Select); 3 bases upstream of the start codon, one base deleted (A; older notation c.-3delA).
Molecular consequence: 5 prime UTR variant.
Genome position (GRCh38, 1-based): chr21:34,449,637, T deleted on the plus strand (A on the coding strand, the reverse complement: KCNE1 is on the minus strand). VCF-style (leftmost placement, unchanged base first): chr21-34449636-CT-C. GRCh37 (hg19) VCF-style: chr21-35821934-CT-C.
Other names: c.-3del (NM_001127668.4, NM_001127669.4, NM_001127670.4 and 4 more transcripts); c.-3delA (NM_000219.5).
Identifiers: ClinVar variation 42494 (VCV000042494.11), dbSNP rs397515878, ClinGen allele CA131329.